The following is an entry in ClinVar:

ClinVar aggregate classification (germline): Benign. Review status: criteria provided, multiple submitters, no conflicts (2 of 4 stars). 2 submissions from 2 submitters: Benign (2). Last evaluated 2025-12-21.

Conditions:
Intellectual developmental disorder, autosomal dominant 1. Also called: Intellectual disability, autosomal dominant 1; MBD5 Haploinsufficiency. Identifiers: Orphanet 228402, MedGen C1969562, MONDO:0007974, OMIM 156200.

Allele frequency attached by ClinVar (database versions not stated): gnomAD 0.00001 and 0.00013; TOPMed 0.00002; gnomAD exomes 0.00024 and 0.00041; 1000 Genomes Project 30x 0.00031; 1000 Genomes Project 0.00040; ExAC 0.00050.
gnomAD v4.1: 368 of 1,611,096 alleles (0.023%); highest among the groups gnomAD compares: South Asian, 0.39%; 2 homozygotes.

Submissions (2):

Labcorp Genetics (formerly Invitae), Labcorp
Classification: Benign for Intellectual developmental disorder, autosomal dominant 1. Last evaluated: 2025-12-21. Review status: criteria provided, single submitter. Criteria: Invitae Variant Classification Sherloc (09022015). Collection method: clinical testing. Allele origin: germline.

GeneDx
Classification: Benign. Last evaluated: 2013-12-02. Review status: criteria provided, single submitter. Criteria: GeneDx Variant Classification (06012015). Collection method: clinical testing. Allele origin: germline. Affected: yes.
Comment: This variant is considered likely benign or benign based on one or more of the following criteria: it is a conservative change, it occurs at a poorly conserved position in the protein, it is predicted to be benign by multiple in silico algorithms, and/or has population frequency not consistent with disease.

NM_001378120.1(MBD5):c.398-12C>T

Gene: MBD5 (methyl-CpG binding domain protein 5; plus strand). Cytogenetic location: 2q23.1.
Variant type: single nucleotide variant.
Coding change: c.398-12C>T on transcript NM_001378120.1 (MANE Select); 12 bases into the intron before coding-DNA position 398, C replaced by T.
Molecular consequence: intron variant.
Genome position (GRCh38, 1-based): chr2:148,468,329, C>T. VCF-style: chr2-148468329-C-T. GRCh37 (hg19) VCF-style: chr2-149225898-C-T.
Other names: c.398-12C>T (NM_018328.5).
Identifiers: ClinVar variation 138173 (VCV000138173.9), dbSNP rs556768118, ClinGen allele CA292018.